The following is an entry in ClinVar:

ClinVar aggregate classification (germline): Uncertain significance. Review status: criteria provided, multiple submitters, no conflicts (2 of 4 stars). 8 submissions from 8 submitters: Uncertain significance (8). Last evaluated 2025-12-01.

Conditions:
RECON progeroid syndrome (RECON). Identifiers: MedGen C5830504, MONDO:0957266, OMIM 620370.

Submissions (9):

Labcorp Genetics (formerly Invitae), Labcorp
Classification: Uncertain significance. Last evaluated: 2025-12-01. Review status: criteria provided, single submitter. Criteria: Invitae Variant Classification Sherloc (09022015). Collection method: clinical testing. Allele origin: germline.
Comment: This sequence change affects a splice site in intron 13 of the RECQL gene. It is expected to disrupt RNA splicing. Variants that disrupt the donor or acceptor splice site typically lead to a loss of protein function (PMID: 16199547), however the current clinical and genetic evidence is not sufficient to establish whether loss-of-function variants in RECQL cause disease. This variant is present in population databases (rs564485792, gnomAD 0.05%), and has an allele count higher than expected for a pathogenic variant. This variant has been observed in individual(s) with breast and lung cancer, as well as unaffected controls (PMID: 25915596, 27832498, 30224651, 33858029). ClinVar contains an entry for this variant (Variation ID: 852047). Algorithms developed to predict the effect of sequence changes on RNA splicing suggest that this variant may disrupt the consensus splice site. In summary, the available evidence is currently insufficient to determine the role of this variant in disease. Therefore, it has been classified as a Variant of Uncertain Significance.

Quest Diagnostics Nichols Institute San Juan Capistrano
Classification: Uncertain significance. Last evaluated: 2025-06-23. Review status: criteria provided, single submitter. Criteria: Quest Diagnostics criteria. Collection method: clinical testing. Allele origin: unknown.
Comment: The RECQL c.1667_1667+3del (p.Glu557Lysfs*14) variant disrupts a canonical splice-donor site and is predicted to interfere with normal RECQL mRNA splicing. However, the current clinical and genetic evidence is not sufficient to establish whether loss-of-function variants in RECQL cause disease. This variant has been described as a Polish founder mutation in the published literature, but it has been identified in both individuals affected with breast cancer (PMIDs: 25915596 (2015), 27832498 (2017), 30224651 (2018), 31173646 (2019), and 33758026 (2022)) as well as in reportedly unaffected individuals (PMIDs: 25915596 (2015), 27832498 (2017), 30224651 (2018), 31312277 (2019), and 31173646 (2019)). This variant has also been reported in individuals with endometrial cancer (PMID: 36744932 (2023)), uterine cancer (PMID: 39150540 (2024)), lung adenocarcinoma (PMID: 33858029 (2021)) as well as other cancer types from the Cancer Genome Atlas (TCGA) cohort (PMIDs: 29625052 (2018) and 36451132 (2022)). An RNA study showed that this variant results in a net addition of 27 base pairs to the 5’ end of the intron 13 which could interfere with normal protein function (PMID: 25915596 (2015)). However, additional studies are needed to determine the global effect of this variant on RECQL protein function. The frequency of this variant in the general population (Genome Aggregation Database) is higher than would generally be expected for pathogenic variants in this gene. Based on the available information, we are unable to determine the clinical significance of this variant.

Center for Genomic Medicine, Rigshospitalet, Copenhagen University Hospital
Classification: Uncertain significance. Last evaluated: 2025-03-04. Review status: criteria provided, single submitter. Criteria: ACMG Guidelines, 2015. Collection method: clinical testing. Allele origin: germline.

GeneDx
Classification: Uncertain significance. Last evaluated: 2025-01-28. Review status: criteria provided, single submitter. Criteria: GeneDx Variant Classification Process June 2021. Collection method: clinical testing. Allele origin: germline. Affected: yes.
Comment: Canonical splice site variant in a gene or region of a gene for which loss of function is not a well-established mechanism of disease; Some case-control analyses suggest this variant is associated with hereditary breast cancer; however, data from other studies do not support an association (PMID: 25915596, 27832498, 32824581); Identified in individuals with breast, endometrial, or ovarian cancer, and also in unaffected controls (PMID: 25915596, 30224651, 31312277, 33758026, 34906988, 36744932); In-silico analysis, which includes splice predictors and evolutionary conservation, is inconclusive as to whether the variant alters gene splicing. In the absence of RNA/functional studies, the actual effect of this sequence change is unknown.; Variants in candidate genes are classified as variants of uncertain significance in accordance with ACMG guidelines (PMID: 25741868); This variant is associated with the following publications: (PMID: 27226120, 29678143, 30610487, 32517021, 33858029, 29351780, 27832498, 26960971, 27125668, 30224651, 31312277, 32824581, 34426522, 25915596, 34461861, 29625052, 33758026, 34906988, 37434214, 37149903, 31173646, 36451132, 36744932, 39150540)

Blueprint Genetics
Classification: Uncertain significance. Last evaluated: 2024-11-08. Review status: criteria provided, single submitter. Criteria: ACMG Guidelines, 2015. Collection method: clinical testing. Allele origin: germline.

Ambry Genetics
Classification: Uncertain significance. Last evaluated: 2024-09-12. Review status: criteria provided, single submitter. Criteria: Ambry Variant Classification Scheme 2023. Collection method: clinical testing. Allele origin: germline.
Comment: The c.1667_1667+3delAGTA variant results from a deletion of 4 nucleotides spanning the canonical donor site from coding exon 12 through intron 12 of the RECQL gene. This alteration has been described as a Polish founder mutation, however it has been identified in both breast cancer patients and in control populations (Cybulski C et al. Nat. Genet., 2015 Jun;47:643-6; Li N et al. Nat. Genet., 2018 10;50:1346-1348; Cybulski C et al. Int. J. Cancer, 2019 12;145:3311-3320; Hilz P et al. Hered Cancer Clin Pract, 2019 Jul;17:17). One study found an estimated two-fold increase in breast cancer risk associated with this alteration, but acknowledge further studies are needed to determine the clinical value of this alteration (Bogdanova N et al. Fam. Cancer, 2017 04;16:181-186). In silico splice site analysis predicts that this alteration will weaken the native splice donor site and will result in the creation or strengthening of a novel splice donor site. Alterations that disrupt the canonical splice site are expected to cause aberrant splicing, resulting in an abnormal protein or a transcript that is subject to nonsense-mediated mRNA decay. However, The evidence for this gene-disease relationship is limited; therefore, the clinical significance of this alteration is unclear.

ARUP Laboratories, Molecular Genetics and Genomics, ARUP Laboratories
Classification: Uncertain significance for RECON progeroid syndrome. Last evaluated: 2024-02-27. Review status: criteria provided, single submitter. Criteria: ARUP Molecular Germline Variant Investigation Process 2024. Collection method: clinical testing. Allele origin: germline.
Comment: The RECQL c.1667_1667+3del variant (rs564485792) is reported in the literature in association with breast cancer (Cybulski 2015); however, this association was not reproduced in subsequent case-control studies (Bogdanova 2017, Hilz 2019, Li 2018). This variant is also reported in ClinVar (Variation ID: 852047) and is found in the general population with an allele frequency of 0.028% (78/279,214 alleles) in the Genome Aggregation Database (v2.1.1). This variant disrupts the canonical splice donor site of intron 13 and results in the use of a cryptic splice site, which causes a deletion of lysine 555 and the in-frame insertion of 10 amino acids (Bogdanova 2017). Due to conflicting information, the clinical significance of the c.1667_1667+3del variant is uncertain at this time. References: Bogdanova et al. Analysis of a RECQL splicing mutation, c.1667_1667+3delAGTA, in breast cancer patients and controls from Central Europe. Fam Cancer. 2017 Apr;16(2):181-186. PMID: 27832498 Cybulski et al. Germline RECQL mutations are associated with breast cancer susceptibility. Nat Genet. 2015 Jun;47(6):643-6. PMID: 25915596 Hilz et al. Allelic variants of breast cancer susceptibility genes PALB2 and RECQL in the Latvian population. Hered Cancer Clin Pract. 2019 Jul 3;17:17. PMID: 31312277 Li et al. Mutations in RECQL are not associated with breast cancer risk in an Australian population. Nat Genet. 2018 Oct;50(10):1346-1348. PMID: 30224651

Department of Pathology and Laboratory Medicine, Sinai Health System
Classification: Uncertain significance for RECON progeroid syndrome. Last evaluated: 2023-12-21. Review status: criteria provided, single submitter. Criteria: ACMG Guidelines, 2015. Collection method: clinical testing. Allele origin: germline. Affected: yes.

Dr. Peter K. Rogan Lab, Western University
No classification provided (evidence only). Condition: Melanoma. Review status: no classification provided. Collection method: in vitro. Allele origin: not applicable. Functional consequence: retained intron. Not counted in ClinVar's aggregate classification.

Literature cited by the submitters: PubMed 16199547 (cited by Labcorp Genetics (formerly Invitae), Labcorp); PubMed 25915596 (cited by 5 submitters); PubMed 27832498 (cited by 5 submitters); PubMed 30224651 (cited by 5 submitters); PubMed 33858029 (cited by Labcorp Genetics (formerly Invitae), Labcorp and Quest Diagnostics Nichols Institute San Juan Capistrano); PubMed 31312277 (cited by Quest Diagnostics Nichols Institute San Juan Capistrano and Ambry Genetics); PubMed 31173646 (cited by Quest Diagnostics Nichols Institute San Juan Capistrano and Ambry Genetics); PubMed 33758026 (cited by Quest Diagnostics Nichols Institute San Juan Capistrano and Center for Genomic Medicine, Rigshospitalet, Copenhagen University Hospital); PubMed 36744932 (cited by Quest Diagnostics Nichols Institute San Juan Capistrano); PubMed 29625052 (cited by Quest Diagnostics Nichols Institute San Juan Capistrano); PubMed 39150540 (cited by Quest Diagnostics Nichols Institute San Juan Capistrano); PubMed 36451132 (cited by Quest Diagnostics Nichols Institute San Juan Capistrano); PubMed 29351780 (cited by Quest Diagnostics Nichols Institute San Juan Capistrano).

NM_002907.4(RECQL):c.1667_1667+3del

Gene: RECQL (RecQ like helicase; minus strand). Cytogenetic location: 12p12.1.
Variant type: Deletion.
Coding change: c.1667_1667+3del on transcript NM_002907.4 (MANE Select); coding-DNA position 1667 through 3 bases into the intron after coding-DNA position 1667, 4 bases deleted (AGTA; older notation c.1667_1667+3delAGTA).
Molecular consequence: splice donor variant.
Genome position (GRCh38, 1-based): chr12:21,471,425-21,471,428, TACT deleted on the plus strand (AGTA on the coding strand, the reverse complement: RECQL is on the minus strand); deleting any 4 consecutive bases within chr12:21,471,425-21,471,430 gives the same sequence; the c. name uses the placement nearest the transcript's 3' end. VCF-style (leftmost placement, unchanged base first): chr12-21471424-ATACT-A. GRCh37 (hg19) VCF-style: chr12-21624358-ATACT-A.
Other names: c.1667_1667+3delAGTA (NM_002907.4, NM_002907.3); c.1665_1667+1del (NM_002907.4); c.1667_1667+3del (NM_032941.3).
Identifiers: ClinVar variation 852047 (VCV000852047.31), dbSNP rs564485792, ClinGen allele CA6478695.